The following is an entry in ClinVar:

ClinVar aggregate classification (germline): Uncertain significance (1 of 4 stars; one submission).

Conditions:
Progressive sclerosing poliodystrophy (MTDPS4A). Also called: Mitochondrial DNA Depletion Syndrome 4A; Alpers-Huttenlocher Syndrome (AHS); ALPERS PROGRESSIVE INFANTILE POLIODYSTROPHY; NEURONAL DEGENERATION OF CHILDHOOD WITH LIVER DISEASE, PROGRESSIVE; Alpers Syndrome; ALPERS DIFFUSE DEGENERATION OF CEREBRAL GRAY MATTER WITH HEPATIC CIRRHOSIS. Identifiers: Orphanet 726, MedGen C0205710, MONDO:0008758, OMIM 203700.

Allele frequency attached by ClinVar (database versions not stated): gnomAD exomes below 0.00001.

Submission:

Labcorp Genetics (formerly Invitae), Labcorp
Classification: Uncertain significance for Progressive sclerosing poliodystrophy. Last evaluated: 2024-03-24. Review status: criteria provided, single submitter. Criteria: Invitae Variant Classification Sherloc (09022015). Collection method: clinical testing. Allele origin: germline.
Comment: This sequence change replaces methionine, which is neutral and non-polar, with valine, which is neutral and non-polar, at codon 1093 of the POLG protein (p.Met1093Val). This variant is not present in population databases (gnomAD no frequency). This variant has not been reported in the literature in individuals affected with POLG-related conditions. ClinVar contains an entry for this variant (Variation ID: 2047114). Advanced modeling of protein sequence and biophysical properties (such as structural, functional, and spatial information, amino acid conservation, physicochemical variation, residue mobility, and thermodynamic stability) performed at Invitae indicates that this missense variant is not expected to disrupt POLG protein function with a negative predictive value of 95%. In summary, the available evidence is currently insufficient to determine the role of this variant in disease. Therefore, it has been classified as a Variant of Uncertain Significance.

NM_002693.3(POLG):c.3277A>G (p.Met1093Val)

Gene: POLG (DNA polymerase gamma, catalytic subunit; minus strand). Cytogenetic location: 15q26.1.
Variant type: single nucleotide variant.
Coding change: c.3277A>G on transcript NM_002693.3 (MANE Select); coding-DNA position 3277, A replaced by G.
Protein change: p.Met1093Val; replaces methionine 1093 with valine.
Molecular consequence: missense variant.
Genome position (GRCh38, 1-based): chr15:89,318,746, T>C on the plus strand (A>G on the coding strand, the complement: POLG is on the minus strand). VCF-style: chr15-89318746-T-C. GRCh37 (hg19) VCF-style: chr15-89861977-T-C.
Other names: c.3277A>G, p.Met1093Val (NM_001126131.2); short protein forms M1093V.
Identifiers: ClinVar variation 2047114 (VCV002047114.3), dbSNP rs2509204060, ClinGen allele CA393750280.
Genomic context (GRCh38, chr15:89,318,746, plus strand): 5'-GCATGAGGTGTAAGTAGTCAACAGCAGAGCTCTGTACCACCCAATTCACACGGCTGGTCA[T>C]AAACTGGGAAGGGAAGGTGGGCAGAGGTGAAAGGGGCTATGCTACATACCAATTAACTCC-3'
Protein context (NP_002684.1, residues 1083-1103): LEPSAVQEEF[Met1093Val]TSRVNWVVQS